The following is an entry in ClinVar:

NM_000321.3(RB1):c.940-2A>T

Gene: RB1 (RB transcriptional corepressor 1; plus strand). Cytogenetic location: 13q14.2.
Variant type: single nucleotide variant.
Coding change: c.940-2A>T on transcript NM_000321.3 (MANE Select); the canonical splice acceptor site of the intron before coding-DNA position 940, A replaced by T.
Molecular consequence: splice acceptor variant.
Genome position (GRCh38, 1-based): chr13:48,367,492, A>T. VCF-style: chr13-48367492-A-T. GRCh37 (hg19) VCF-style: chr13-48941628-A-T.
Other names: c.940-2A>T (NM_001407165.1, NM_001407166.1).
Identifiers: ClinVar variation 4759399 (VCV004759399.1).

ClinVar aggregate classification (germline): Pathogenic (1 of 4 stars; one submission).

Conditions:
Hereditary retinoblastoma. Identifiers: Orphanet 357027, MedGen C0751483, MONDO:0018160.

Submission:

Ramesar Group, Division of Human Genetics, Institute of Infectious Diseases and Molecular Medicine, UCT/MRC Genomic and Precision Medicine Research Unit, University of Cape Town
Classification: Pathogenic for Hereditary retinoblastoma. Last evaluated: 2025-09-17. Review status: criteria provided, single submitter. Criteria: ACMG Guidelines, 2015. Collection method: research. Allele origin: germline. Affected: yes. Observed: 1 variant allele.
Comment: PVS1: Null variant (canonical -2 splice site) in a gene (RB1) where LOF is a known mechanism of disease PM2: Absent from gnomAD and ExAC PP3: SpliceAI informs an acceptor loss and donor loss score of 0.98 and 0.95, respectively PP4: Patients presents with bilateral retinoblastoma Not in ClinVar; variant of uncertain signifigance in the LOVD